The following is an entry in ClinVar:

NM_053025.4(MYLK):c.1631G>A (p.Arg544Gln)

Gene: MYLK (myosin light chain kinase; minus strand). Cytogenetic location: 3q21.1.
Variant type: single nucleotide variant.
Coding change: c.1631G>A on transcript NM_053025.4 (MANE Select); coding-DNA position 1631, G replaced by A.
Protein change: p.Arg544Gln; replaces arginine 544 with glutamine.
Molecular consequence: missense variant.
Genome position (GRCh38, 1-based): chr3:123,725,964, C>T on the plus strand (G>A on the coding strand, the complement: MYLK is on the minus strand). VCF-style: chr3-123725964-C-T. GRCh37 (hg19) VCF-style: chr3-123444811-C-T.
Other names: c.1103G>A, p.Arg368Gln (NM_001321309.2); c.1424G>A, p.Arg475Gln (NM_053026.4, NM_053028.4); c.1631G>A, p.Arg544Gln (NM_053027.4); short protein forms R544Q, R368Q, R475Q.
Identifiers: ClinVar variation 514822 (VCV000514822.16), dbSNP rs146724203, ClinGen allele CA067283.

ClinVar aggregate classification (germline): Likely benign. Review status: criteria provided, multiple submitters, no conflicts (2 of 4 stars). 6 submissions from 6 submitters: Likely benign (5). 1 of the submissions does not count toward it. Last evaluated 2026-01-04.

Conditions:
Aortic aneurysm, familial thoracic 7 (AAT7). Also called: AORTIC DISSECTION, FAMILIAL, WITH OR WITHOUT AORTIC ANEURYSM. Identifiers: MedGen C3151077, MONDO:0013418, OMIM 613780.
Megacystis-microcolon-intestinal hypoperistalsis syndrome 1. Identifiers: MedGen C5542316, MONDO:0100354, OMIM 249210.
MYLK-related disorder. Also called: MYLK-related condition.
Familial thoracic aortic aneurysm and aortic dissection (TAAD). Also called: Thoracic aortic aneurysms and dissections. Identifiers: Orphanet 91387, MedGen C4707243, MONDO:0019625.

Allele frequency attached by ClinVar (database versions not stated): gnomAD exomes 0.00010; ExAC 0.00015; TOPMed 0.00029; 1000 Genomes Project 30x 0.00031; 1000 Genomes Project 0.00040; ESP Exome Variant Server 0.00062.
gnomAD v4.1: 116 of 1,614,038 alleles (0.0072%); highest among the groups gnomAD compares: African/African-American, 0.12%; no homozygotes.

Submissions (6):

Labcorp Genetics (formerly Invitae), Labcorp
Classification: Likely benign for Aortic aneurysm, familial thoracic 7. Last evaluated: 2026-01-04. Review status: criteria provided, single submitter. Criteria: Invitae Variant Classification Sherloc (09022015). Collection method: clinical testing. Allele origin: germline.

Ambry Genetics
Classification: Likely benign for Familial thoracic aortic aneurysm and aortic dissection. Last evaluated: 2024-07-03. Review status: criteria provided, single submitter. Criteria: Ambry Variant Classification Scheme 2023. Collection method: clinical testing. Allele origin: germline.

Fulgent Genetics
Classification: Likely benign for Megacystis-microcolon-intestinal hypoperistalsis syndrome 1; Aortic aneurysm, familial thoracic 7. Last evaluated: 2024-04-18. Review status: criteria provided, single submitter. Criteria: ACMG Guidelines, 2015. Collection method: clinical testing. Allele origin: germline.

Blueprint Genetics
Classification: Likely benign. Last evaluated: 2024-01-09. Review status: criteria provided, single submitter. Criteria: ACMG Guidelines, 2015. Collection method: clinical testing. Allele origin: germline.

GeneDx
Classification: Likely benign. Last evaluated: 2018-01-17. Review status: criteria provided, single submitter. Criteria: GeneDx Variant Classification (06012015). Collection method: clinical testing. Allele origin: germline. Affected: yes.
Comment: This variant is considered likely benign or benign based on one or more of the following criteria: it is a conservative change, it occurs at a poorly conserved position in the protein, it is predicted to be benign by multiple in silico algorithms, and/or has population frequency not consistent with disease.

PreventionGenetics, part of Exact Sciences
Classification: Uncertain significance for MYLK-related condition. Last evaluated: 2023-10-26. Review status: no assertion criteria provided. Collection method: clinical testing. Allele origin: germline. Not counted in ClinVar's aggregate classification.
Comment: The MYLK c.1631G>A variant is predicted to result in the amino acid substitution p.Arg544Gln. To our knowledge, this variant has not been reported in the literature. This variant is reported in 0.12% of alleles in individuals of African descent in gnomAD. At this time, the clinical significance of this variant is uncertain due to the absence of conclusive functional and genetic evidence.